The following is an entry in ClinVar:

ClinVar aggregate classification (germline): Likely pathogenic. Review status: criteria provided, single submitter (1 of 4 stars). 4 submissions from 4 submitters: Likely pathogenic (1). 3 of the submissions do not count toward it. Last evaluated 2024-03-08.

Conditions:
Dilated cardiomyopathy 1G (CMD1G). Identifiers: Orphanet 154, MedGen C1858763, MONDO:0011400, OMIM 604145.
Autosomal recessive limb-girdle muscular dystrophy type 2J (LGMDR10). Also called: MUSCULAR DYSTROPHY, LIMB-GIRDLE, AUTOSOMAL RECESSIVE 10; Limb-girdle muscular dystrophy, type 2J. Identifiers: Orphanet 140922, MedGen C1837342, MONDO:0012127, OMIM 608807.

Submissions (4):

Labcorp Genetics (formerly Invitae), Labcorp
Classification: Likely pathogenic for Dilated cardiomyopathy 1G; Autosomal recessive limb-girdle muscular dystrophy type 2J. Last evaluated: 2024-03-08. Review status: criteria provided, single submitter. Criteria: Invitae Variant Classification Sherloc (09022015). Collection method: clinical testing. Allele origin: germline.
Comment: This sequence change creates a premature translational stop signal (p.Tyr29055*) in the TTN gene. While this is not anticipated to result in nonsense mediated decay, it is expected to create a truncated TTN protein. This variant is not present in population databases (gnomAD no frequency). This premature translational stop signal has been observed in individual(s) with dilated cardiomyopathy (PMID: 30847666). ClinVar contains an entry for this variant (Variation ID: 1299952). This variant is located in the A band of TTN (PMID: 25589632). Truncating variants in this region are significantly overrepresented in patients affected with dilated cardiomyopathy (PMID: 25589632). Truncating variants in this region have also been reported in individuals affected with autosomal recessive centronuclear myopathy (PMID: 23975875). In summary, the currently available evidence indicates that the variant is pathogenic, but additional data are needed to prove that conclusively. Therefore, this variant has been classified as Likely Pathogenic.

Clinical Genetics, Academic Medical Center
Classification: Likely pathogenic. Review status: no assertion criteria provided. Collection method: clinical testing. Allele origin: germline. Affected: yes. Study: VKGL Data-share Consensus. Not counted in ClinVar's aggregate classification.

Joint Genome Diagnostic Labs from Nijmegen and Maastricht, Radboudumc and MUMC+
Classification: Likely pathogenic. Review status: no assertion criteria provided. Collection method: clinical testing. Allele origin: germline. Affected: yes. Study: VKGL Data-share Consensus. Not counted in ClinVar's aggregate classification.

Laboratory of Diagnostic Genome Analysis, Leiden University Medical Center (LUMC)
Classification: Likely pathogenic. Review status: no assertion criteria provided. Collection method: clinical testing. Allele origin: germline. Affected: yes. Study: VKGL Data-share Consensus. Not counted in ClinVar's aggregate classification.

Literature cited by the submitters: PubMed 30847666 (cited by Labcorp Genetics (formerly Invitae), Labcorp); PubMed 25589632 (cited by Labcorp Genetics (formerly Invitae), Labcorp); PubMed 23975875 (cited by Labcorp Genetics (formerly Invitae), Labcorp).

NM_001267550.2(TTN):c.87165T>A (p.Tyr29055Ter)

Genes: TTN-AS1 (TTN antisense RNA 1; plus strand), TTN (titin; minus strand). Cytogenetic location: 2q31.2.
Variant type: single nucleotide variant.
Coding change: c.87165T>A on transcript NM_001267550.2 (MANE Select); coding-DNA position 87165, T replaced by A.
Protein change: p.Tyr29055Ter; replaces tyrosine 29055 with a stop codon.
Molecular consequence: nonsense.
Genome position (GRCh38, 1-based): chr2:178,558,189, A>T on the plus strand (T>A on the coding strand, the complement: TTN is on the minus strand). VCF-style: chr2-178558189-A-T. GRCh37 (hg19) VCF-style: chr2-179422916-A-T.
Other names: c.82242T>A, p.Tyr27414Ter (NM_001256850.1); c.59970T>A, p.Tyr19990Ter (NM_003319.4); c.79461T>A, p.Tyr26487Ter (NM_133378.4); c.60345T>A, p.Tyr20115Ter (NM_133432.3); c.60546T>A, p.Tyr20182Ter (NM_133437.4); short protein forms Y19990*, Y20115*, Y20182*, Y26487*, Y27414*, Y29055*.
Identifiers: ClinVar variation 1299952 (VCV001299952.6), dbSNP rs756211633, ClinGen allele CA349538127.